The following is an entry in ClinVar:

ClinVar aggregate classification (germline): Pathogenic (1 of 4 stars; one submission).

Conditions:
Duchenne muscular dystrophy (DMD). Also called: MUSCULAR DYSTROPHY, PSEUDOHYPERTROPHIC PROGRESSIVE, DUCHENNE TYPE; Duchenne Muscular Dystrophy (DMD). Identifiers: Orphanet 98896, MedGen C0013264, MONDO:0010679, OMIM 310200.

Submission:

Labcorp Genetics (formerly Invitae), Labcorp
Classification: Pathogenic for Duchenne muscular dystrophy. Last evaluated: 2025-12-01. Review status: criteria provided, single submitter. Criteria: Invitae Variant Classification Sherloc (09022015). Collection method: clinical testing. Allele origin: germline.
Comment: This sequence change creates a premature translational stop signal (p.Val1440Lysfs*7) in the DMD gene. It is expected to result in an absent or disrupted protein product. Loss-of-function variants in DMD are known to be pathogenic (PMID: 16770791, 25007885). This variant is not present in population databases (gnomAD no frequency). This variant has not been reported in the literature in individuals affected with DMD-related conditions. Algorithms developed to predict the effect of sequence changes on RNA splicing suggest that this variant may disrupt the consensus splice site. For these reasons, this variant has been classified as Pathogenic.

Literature cited by the submitters: PubMed 16770791; PubMed 25007885.

NM_004006.3(DMD):c.4314_4317dup (p.Val1440fs)

Gene: DMD (dystrophin; minus strand). Cytogenetic location: Xp21.1.
Variant type: Duplication.
Coding change: c.4314_4317dup on transcript NM_004006.3 (MANE Select); coding-DNA positions 4314 to 4317, 4 bases duplicated (AAGA; older notation c.4314_4317dupAAGA).
Protein change: p.Val1440fs; shifts the reading frame from valine 1440.
Molecular consequence: frameshift variant.
Genome position (GRCh38, 1-based): chrX:32,390,098-32,390,101, TCTT duplicated on the plus strand (AAGA on the coding strand, the reverse complement: DMD is on the minus strand); duplicating any 4 consecutive bases within chrX:32,390,098-32,390,102 gives the same sequence; the c. name uses the placement nearest the transcript's 3' end. VCF-style (leftmost placement, unchanged base first): chrX-32390097-C-CTCTT. GRCh37 (hg19) VCF-style: chrX-32408214-C-CTCTT.
Other names: c.4290_4293dup, p.Val1432fs (NM_000109.4); c.4302_4305dup, p.Val1436fs (NM_004009.3); c.3945_3948dup, p.Val1317fs (NM_004010.3); c.291_294dup, p.Val99fs (NM_004011.4); c.282_285dup, p.Val96fs (NM_004012.4); short protein forms V96fs, V99fs, V1432fs, V1440fs, V1317fs, V1436fs.
Identifiers: ClinVar variation 4727113 (VCV004727113.1).